The following is an entry in ClinVar:

ClinVar aggregate classification (germline): Uncertain significance (0 of 4 stars; one submission).

Conditions:
KMT2D-related disorder. Also called: KMT2D-Related Disorders.

Submission:

PreventionGenetics, part of Exact Sciences
Classification: Uncertain significance for KMT2D-related condition. Last evaluated: 2023-12-07. Review status: no assertion criteria provided. Collection method: clinical testing. Allele origin: germline.
Comment: The KMT2D c.7971_7973dupGAC variant is predicted to result in an in-frame duplication (p.Thr2658dup). To our knowledge, this variant has not been reported in the literature or in a large population database, indicating this variant is rare. At this time, the clinical significance of this variant is uncertain due to the absence of conclusive functional and genetic evidence.

NM_003482.4(KMT2D):c.7971_7973dup (p.Thr2658_Ala2659insThr)

Gene: KMT2D (lysine methyltransferase 2D; minus strand). Cytogenetic location: 12q13.12.
Variant type: Duplication.
Coding change: c.7971_7973dup on transcript NM_003482.4 (MANE Select); coding-DNA positions 7971 to 7973, 3 bases duplicated (GAC; older notation c.7971_7973dupGAC).
Protein change: p.Thr2658_Ala2659insThr.
Molecular consequence: inframe indel (on NM_003482.3).
Genome position (GRCh38, 1-based): chr12:49,039,797-49,039,799, GTC duplicated on the plus strand (GAC on the coding strand, the reverse complement: KMT2D is on the minus strand); duplicating any 3 consecutive bases within chr12:49,039,797-49,039,800 gives the same sequence; the c. name uses the placement nearest the transcript's 3' end. VCF-style (leftmost placement, unchanged base first): chr12-49039796-T-TGTC. GRCh37 (hg19) VCF-style: chr12-49433579-T-TGTC.
Other names: c.7971_7973dupGAC (NM_003482.3).
Identifiers: ClinVar variation 3033263 (VCV003033263.2), dbSNP rs2498393799, ClinGen allele CA2740092371.